The following is an entry in ClinVar:

ClinVar aggregate classification (germline): Uncertain significance (1 of 4 stars; one submission).

Conditions:
NCOA1-related disorder. Also called: NCOA1-related condition.

Submission:

PreventionGenetics, part of Exact Sciences
Classification: Uncertain significance for NCOA1-related condition. Last evaluated: 2025-10-14. Review status: criteria provided, single submitter. Criteria: ACMG Guidelines, 2015. Collection method: clinical testing. Allele origin: germline.
Comment: The NCOA1 c.3227T>C variant is predicted to result in the amino acid substitution p.Ile1076Thr. To our knowledge, this variant has not been reported in the literature or in a large population database (gnomAD), indicating this variant is rare. At this time, the clinical significance of this variant is uncertain due to the absence of conclusive functional and genetic evidence.

NM_003743.5(NCOA1):c.3227T>C (p.Ile1076Thr)

Gene: NCOA1 (nuclear receptor coactivator 1; plus strand). Cytogenetic location: 2p23.3.
Variant type: single nucleotide variant.
Coding change: c.3227T>C on transcript NM_003743.5 (MANE Select); coding-DNA position 3227, T replaced by C.
Protein change: p.Ile1076Thr; replaces isoleucine 1076 with threonine.
Molecular consequence: missense variant.
Genome position (GRCh38, 1-based): chr2:24,739,457, T>C. VCF-style: chr2-24739457-T-C. GRCh37 (hg19) VCF-style: chr2-24962326-T-C.
Other names: c.3227T>C, p.Ile1076Thr (NM_001362950.1, NM_001362952.1, NM_001362954.1 and 3 more transcripts); short protein forms I1076T.
Identifiers: ClinVar variation 4996434 (VCV004996434.1).